The following is an entry in ClinVar:

ClinVar aggregate classification (germline): Uncertain significance (1 of 4 stars; one submission).

Conditions:
Vici syndrome (VICIS). Identifiers: Orphanet 1493, MedGen C1855772, MONDO:0009452, OMIM 242840.

Allele frequency attached by ClinVar (database versions not stated): gnomAD exomes below 0.00001 and 0.00001; TOPMed below 0.00001.

Submission:

Labcorp Genetics (formerly Invitae), Labcorp
Classification: Uncertain significance for Vici syndrome. Last evaluated: 2022-03-19. Review status: criteria provided, single submitter. Criteria: Invitae Variant Classification Sherloc (09022015). Collection method: clinical testing. Allele origin: germline.
Comment: This sequence change replaces methionine, which is neutral and non-polar, with valine, which is neutral and non-polar, at codon 1241 of the EPG5 protein (p.Met1241Val). This variant is not present in population databases (gnomAD no frequency). This variant has not been reported in the literature in individuals affected with EPG5-related conditions. ClinVar contains an entry for this variant (Variation ID: 847602). Algorithms developed to predict the effect of missense changes on protein structure and function output the following: SIFT: "Tolerated"; PolyPhen-2: "Possibly Damaging"; Align-GVGD: "Class C0". The valine amino acid residue is found in multiple mammalian species, which suggests that this missense change does not adversely affect protein function. In summary, the available evidence is currently insufficient to determine the role of this variant in disease. Therefore, it has been classified as a Variant of Uncertain Significance.

NM_020964.3(EPG5):c.3721A>G (p.Met1241Val)

Gene: EPG5 (ectopic P-granules 5 autophagy tethering factor; minus strand). Cytogenetic location: 18q21.1.
Variant type: single nucleotide variant.
Coding change: c.3721A>G on transcript NM_020964.3 (MANE Select); coding-DNA position 3721, A replaced by G.
Protein change: p.Met1241Val; replaces methionine 1241 with valine.
Molecular consequence: missense variant.
Genome position (GRCh38, 1-based): chr18:45,913,801, T>C on the plus strand (A>G on the coding strand, the complement: EPG5 is on the minus strand). VCF-style: chr18-45913801-T-C. GRCh37 (hg19) VCF-style: chr18-43493766-T-C.
Other names: short protein forms M1241V.
Identifiers: ClinVar variation 847602 (VCV000847602.7), dbSNP rs1258237376, ClinGen allele CA402341322.